The following is an entry in ClinVar:

NM_001004356.3(FGFRL1):c.80G>T (p.Gly27Val)

Gene: FGFRL1 (fibroblast growth factor receptor like 1; plus strand). Cytogenetic location: 4p16.3.
Variant type: single nucleotide variant.
Coding change: c.80G>T on transcript NM_001004356.3 (MANE Select); coding-DNA position 80, G replaced by T.
Protein change: p.Gly27Val; replaces glycine 27 with valine.
Molecular consequence: missense variant.
Genome position (GRCh38, 1-based): chr4:1,022,203, G>T. VCF-style: chr4-1022203-G-T. GRCh37 (hg19) VCF-style: chr4-1015991-G-T.
Other names: c.80G>T, p.Gly27Val (NM_001004358.1, NM_001370296.1, NM_021923.3); short protein forms G27V.
Identifiers: ClinVar variation 3001338 (VCV003001338.3), dbSNP rs2534144995, ClinGen allele CA355928193.

ClinVar aggregate classification (germline): Uncertain significance (1 of 4 stars; one submission).

Allele frequency attached by ClinVar (database versions not stated): gnomAD exomes below 0.00001.
gnomAD v4.1: 1 of 1,523,618 alleles (0.000066%); highest among the groups gnomAD compares: Non-Finnish European, 0.000088%; no homozygotes.

Submission:

Labcorp Genetics (formerly Invitae), Labcorp
Classification: Uncertain significance. Last evaluated: 2023-05-23. Review status: criteria provided, single submitter. Criteria: Invitae Variant Classification Sherloc (09022015). Collection method: clinical testing. Allele origin: germline.
Comment: In summary, the available evidence is currently insufficient to determine the role of this variant in disease. Therefore, it has been classified as a Variant of Uncertain Significance. Experimental studies and prediction algorithms are not available or were not evaluated, and the functional significance of this variant is currently unknown. This variant has not been reported in the literature in individuals affected with FGFRL1-related conditions. This variant is not present in population databases (gnomAD no frequency). This sequence change replaces glycine, which is neutral and non-polar, with valine, which is neutral and non-polar, at codon 27 of the FGFRL1 protein (p.Gly27Val).